The following is an entry in ClinVar:

ClinVar aggregate classification (germline): Pathogenic. Review status: reviewed by expert panel (3 of 4 stars). 2 submissions from 2 submitters: Pathogenic (1). 1 of the submissions does not count toward it. Last evaluated 2016-09-08.

Conditions:
Breast-ovarian cancer, familial, susceptibility to, 1 (BROVCA1). Also called: BRCA1 Hereditary Breast and Ovarian Cancer; OVARIAN CANCER, SUSCEPTIBILITY TO. Identifiers: Orphanet 145, MedGen C2676676, MONDO:0011450, OMIM 604370. Disease mechanism: loss of function.

Submissions (2):

Evidence-based Network for the Interpretation of Germline Mutant Alleles (ENIGMA)
Classification: Pathogenic for Breast-ovarian cancer, familial, susceptibility to, 1. Last evaluated: 2016-09-08. Review status: reviewed by expert panel. Criteria: ENIGMA BRCA1/2 Classification Criteria (2015). Collection method: curation. Allele origin: germline.
Comment: Variant allele predicted to encode a truncated non-functional protein.

Consortium of Investigators of Modifiers of BRCA1/2 (CIMBA), c/o University of Cambridge
Classification: Pathogenic for Breast-ovarian cancer, familial, susceptibility to, 1. Last evaluated: 2015-10-02. Review status: criteria provided, single submitter. Criteria: CIMBA Mutation Classification guidelines May 2016. Collection method: clinical testing. Allele origin: germline. Not counted in ClinVar's aggregate classification.

NM_007294.4(BRCA1):c.3596_3602del (p.Ala1199fs)

Genes: BRCA1 (BRCA1 DNA repair associated; minus strand), LOC126862571 (BRD4-independent group 4 enhancer GRCh37_chr17:41243136-41244335; plus strand). Cytogenetic location: 17q21.31.
Variant type: Deletion.
Coding change: c.3596_3602del on transcript NM_007294.4 (MANE Select); coding-DNA positions 3596 to 3602, 7 bases deleted (CTCAGGG; older notation c.3596_3602delCTCAGGG).
Protein change: p.Ala1199fs; shifts the reading frame from alanine 1199.
Molecular consequence: frameshift variant. On other transcripts: intron variant (135).
Genome position (GRCh38, 1-based): chr17:43,091,929-43,091,935, CCCTGAG deleted on the plus strand (CTCAGGG on the coding strand, the reverse complement: BRCA1 is on the minus strand); deleting any 7 consecutive bases within chr17:43,091,929-43,091,937 gives the same sequence; the c. name uses the placement nearest the transcript's 3' end. VCF-style (leftmost placement, unchanged base first): chr17-43091928-ACCCTGAG-A. GRCh37 (hg19) VCF-style: chr17-41243945-ACCCTGAG-A.
Other names: c.3455_3461del, p.Ala1152fs (NM_001407851.1, NM_001407852.1, NM_001407942.1 and 29 more transcripts); c.3383_3389del, p.Ala1128fs (NM_001407853.1, NM_001407894.1, NM_001407895.1 and 9 more transcripts); c.3596_3602del, p.Ala1199fs (NM_001407854.1, NM_001407858.1, NM_001407859.1 and 30 more transcripts); c.3593_3599del, p.Ala1198fs (NM_001407860.1, NM_001407861.1, NM_001407587.1 and 22 more transcripts); c.3395_3401del, p.Ala1132fs (NM_001407862.1); c.3473_3479del, p.Ala1158fs (NM_001407863.1, NM_001407919.1, NM_001407937.1 and 19 more transcripts); c.3392_3398del, p.Ala1131fs (NM_001407874.1, NM_001407875.1); c.3386_3392del, p.Ala1129fs (NM_001407879.1, NM_001407881.1, NM_001407882.1 and 13 more transcripts); and 42 more; short protein forms A1152fs, A1199fs, A1031fs, A1071fs, A1173fs, A1088fs, A1110fs, A1128fs.
Identifiers: ClinVar variation 54928 (VCV000054928.5), dbSNP rs397509086, ClinGen allele CA002293.